The following is an entry in ClinVar:

NM_015192.4(PLCB1):c.1431C>A (p.Ser477Arg)

Gene: PLCB1 (phospholipase C beta 1; plus strand). Cytogenetic location: 20p12.3.
Variant type: single nucleotide variant.
Coding change: c.1431C>A on transcript NM_015192.4 (MANE Select); coding-DNA position 1431, C replaced by A.
Protein change: p.Ser477Arg; replaces serine 477 with arginine.
Molecular consequence: missense variant.
Genome position (GRCh38, 1-based): chr20:8,717,766, C>A. VCF-style: chr20-8717766-C-A. GRCh37 (hg19) VCF-style: chr20-8698413-C-A.
Other names: c.1431C>A, p.Ser477Arg (NM_182734.3); short protein forms S477R.
Identifiers: ClinVar variation 4532448 (VCV004532448.2).

ClinVar aggregate classification (germline): Uncertain significance. Review status: criteria provided, multiple submitters, no conflicts (2 of 4 stars). 2 submissions from 2 submitters: Uncertain significance (2). Last evaluated 2025-05-30.

gnomAD v4.1: 4 of 1,613,720 alleles (0.00025%); highest among the groups gnomAD compares: Non-Finnish European, 0.00017%; no homozygotes.

Submissions (2):

GeneDx
Classification: Uncertain significance. Last evaluated: 2025-05-30. Review status: criteria provided, single submitter. Criteria: GeneDx Variant Classification Process June 2021. Collection method: clinical testing. Allele origin: germline. Affected: yes.
Comment: In silico analysis suggests that this missense variant does not alter protein structure/function; Has not been previously published as pathogenic or benign to our knowledge

Blueprint Genetics
Classification: Uncertain significance. Last evaluated: 2024-03-06. Review status: criteria provided, single submitter. Criteria: ACMG Guidelines, 2015. Collection method: clinical testing. Allele origin: germline.